The following is an entry in ClinVar:

NM_000238.4(KCNH2):c.1582_1603del (p.Arg528fs)

Gene: KCNH2 (potassium voltage-gated channel subfamily H member 2; minus strand). Cytogenetic location: 7q36.1.
Variant type: Deletion.
Coding change: c.1582_1603del on transcript NM_000238.4 (MANE Select); coding-DNA positions 1582 to 1603, 22 bases deleted (CGGCTGCTGCGGCTGGTGCGCG).
Protein change: p.Arg528fs; shifts the reading frame from arginine 528.
Molecular consequence: frameshift variant.
Genome position (GRCh38, 1-based): chr7:150,951,790-150,951,811, CGCGCACCAGCCGCAGCAGCCG deleted on the plus strand (CGGCTGCTGCGGCTGGTGCGCG on the coding strand, the reverse complement: KCNH2 is on the minus strand); deleting any 22 consecutive bases within chr7:150,951,790-150,951,814 gives the same sequence; the c. name uses the placement nearest the transcript's 3' end. VCF-style (leftmost placement, unchanged base first): chr7-150951789-ACGCGCACCAGCCGCAGCAGCCG-A. GRCh37 (hg19) VCF-style: chr7-150648877-ACGCGCACCAGCCGCAGCAGCCG-A.
Other names: c.562_583del, p.Arg188fs (NM_001204798.2, NM_172057.3); c.1291_1312del22, p.Arg432Trpfs (NM_001406753.1, NM_001406756.1); c.1402_1423del22, p.Arg469Trpfs (NM_001406755.1); c.1279_1300del22, p.Arg428Trpfs (NM_001406757.1); c.1579_1600del22, p.Arg528Trpfs (NM_172056.3); short protein forms R188fs, R528fs.
Identifiers: ClinVar variation 1675096 (VCV001675096.5), dbSNP rs2116964263, ClinGen allele CA2573141871.

ClinVar aggregate classification (germline): Pathogenic (1 of 4 stars; one submission).

Conditions:
Long QT syndrome 2 (LQT2). Identifiers: Orphanet 101016, Orphanet 768, MedGen C3150943, MONDO:0013367, OMIM 613688.
Short QT syndrome type 1. Identifiers: Orphanet 51083, MedGen C1865020, MONDO:0012312, OMIM 609620.

Submission:

Center for Genomics, Ann and Robert H. Lurie Children's Hospital of Chicago
Classification: Pathogenic for Short QT syndrome type 1; Long QT syndrome 2. Review status: criteria provided, single submitter. Criteria: ACMG Guidelines, 2015. Collection method: clinical testing. Allele origin: germline.
Comment: This variant has not been reported in the literature and is not present in large control databases. Evolutionary conservation and computational predictive tools for this variant are limited or unavailable. This variant is a deletion of 22 nucleotides at position 1582 and creates a premature stop codon 30 amino acids downstream from this location which results in an absent or abnormal protein. Loss of function variants are a known mechanism of disease for this gene (Hedley 2009 PMID:19862833). In summary, this variant is classified as pathogenic.